The following is an entry in ClinVar:

ClinVar aggregate classification (germline): Likely benign. Review status: criteria provided, multiple submitters, no conflicts (2 of 4 stars). 8 submissions from 8 submitters: Likely benign (5). 3 of the submissions do not count toward it. Last evaluated 2026-01-05.

Conditions:
Galactosylceramide beta-galactosidase deficiency. Also called: Leukodystrophy, Globoid Cell; Krabbe Disease; GALACTOCEREBROSIDASE DEFICIENCY; GALC DEFICIENCY; GLOBOID CELL LEUKOENCEPHALOPATHY. Identifiers: Orphanet 487, MedGen C0023521, MONDO:0009499, OMIM 245200.
GALC-related disorder. Also called: GALC-related condition.

Allele frequency attached by ClinVar (database versions not stated): gnomAD 0.00013 and 0.00015; TOPMed 0.00014; 1000 Genomes Project 30x 0.00016; gnomAD exomes 0.00018; 1000 Genomes Project 0.00020; ExAC 0.00024.
gnomAD v4.1: 560 of 1,588,068 alleles (0.035%); highest among the groups gnomAD compares: Non-Finnish European, 0.046%; no homozygotes.

Submissions (8):

Labcorp Genetics (formerly Invitae), Labcorp
Classification: Likely benign for Galactosylceramide beta-galactosidase deficiency. Last evaluated: 2026-01-05. Review status: criteria provided, single submitter. Criteria: Invitae Variant Classification Sherloc (09022015). Collection method: clinical testing. Allele origin: germline.

Mayo Clinic Laboratories, Mayo Clinic
Classification: Likely benign. Last evaluated: 2025-09-16. Review status: criteria provided, single submitter. Criteria: ACMG Guidelines, 2015. Collection method: clinical testing. Allele origin: germline. Observed: 2 variant alleles.
Comment: BP4, BP7

Blueprint Genetics
Classification: Likely benign. Last evaluated: 2024-09-17. Review status: criteria provided, single submitter. Criteria: ACMG Guidelines, 2015. Collection method: clinical testing. Allele origin: germline.

CeGaT Center for Human Genetics Tuebingen
Classification: Likely benign. Last evaluated: 2022-06-01. Review status: criteria provided, single submitter. Criteria: CeGaT Center For Human Genetics Tuebingen Variant Classification Criteria Version 2. Collection method: clinical testing. Allele origin: germline. Affected: yes. Observed: 1 variant allele.
Comment: GALC: BP4, BP7

GeneDx
Classification: Likely benign. Last evaluated: 2015-12-09. Review status: criteria provided, single submitter. Criteria: GeneDx Variant Classification (06012015). Collection method: clinical testing. Allele origin: germline. Affected: yes.
Comment: This variant is considered likely benign or benign based on one or more of the following criteria: it is a conservative change, it occurs at a poorly conserved position in the protein, it is predicted to be benign by multiple in silico algorithms, and/or has population frequency not consistent with disease.

PreventionGenetics, part of Exact Sciences
Classification: Likely benign for GALC-related condition. Last evaluated: 2024-03-28. Review status: no assertion criteria provided. Collection method: clinical testing. Allele origin: germline. Not counted in ClinVar's aggregate classification.
Comment: This variant is classified as likely benign based on ACMG/AMP sequence variant interpretation guidelines (Richards et al. 2015 PMID: 25741868, with internal and published modifications).

Clinical Genetics DNA and cytogenetics Diagnostics Lab, Erasmus MC, Erasmus Medical Center
Classification: Likely benign. Review status: no assertion criteria provided. Collection method: clinical testing. Allele origin: germline. Affected: yes. Study: VKGL Data-share Consensus. Not counted in ClinVar's aggregate classification.

Clinical Genetics, Academic Medical Center
Classification: Likely benign. Review status: no assertion criteria provided. Collection method: clinical testing. Allele origin: germline. Affected: yes. Study: VKGL Data-share Consensus. Not counted in ClinVar's aggregate classification.

NM_000153.4(GALC):c.60C>T (p.Ala20=)

Gene: GALC (galactosylceramidase; minus strand). Cytogenetic location: 14q31.3.
Variant type: single nucleotide variant.
Coding change: c.60C>T on transcript NM_000153.4 (MANE Select); coding-DNA position 60, C replaced by T.
Protein change: p.Ala20=; no amino-acid change (alanine 20 retained).
Molecular consequence: synonymous variant. On other transcripts: intron variant (1).
Genome position (GRCh38, 1-based): chr14:87,993,105, G>A on the plus strand (C>T on the coding strand, the complement: GALC is on the minus strand). VCF-style: chr14-87993105-G-A. GRCh37 (hg19) VCF-style: chr14-88459449-G-A.
Other names: p.Ala20=; c.60C>T, p.Ala20= (NM_001201401.2); c.117+278C>T (NM_001201402.2).
Identifiers: ClinVar variation 382304 (VCV000382304.42), dbSNP rs188488238, ClinGen allele CA7297518.